The following is an entry in ClinVar:

ClinVar aggregate classification (germline): Uncertain significance (1 of 4 stars; one submission).

Allele frequency attached by ClinVar (database versions not stated): gnomAD exomes below 0.00001; ExAC 0.00005; TOPMed 0.00005; ESP Exome Variant Server 0.00008; 1000 Genomes Project 30x 0.00031; 1000 Genomes Project 0.00040.
gnomAD v4.1: 18 of 1,540,536 alleles (0.0012%); highest among the groups gnomAD compares: African/African-American, 0.024%; no homozygotes.

Submission:

Labcorp Genetics (formerly Invitae), Labcorp
Classification: Uncertain significance. Last evaluated: 2024-05-05. Review status: criteria provided, single submitter. Criteria: Invitae Variant Classification Sherloc (09022015). Collection method: clinical testing. Allele origin: germline.
Comment: This sequence change falls in intron 11 of the ERBB4 gene. It does not directly change the encoded amino acid sequence of the ERBB4 protein. It affects a nucleotide within the consensus splice site. This variant is present in population databases (rs188386424, gnomAD 0.03%). This variant has not been reported in the literature in individuals affected with ERBB4-related conditions. Variants that disrupt the consensus splice site are a relatively common cause of aberrant splicing (PMID: 17576681, 9536098). Algorithms developed to predict the effect of sequence changes on RNA splicing suggest that this variant is not likely to affect RNA splicing. In summary, the available evidence is currently insufficient to determine the role of this variant in disease. Therefore, it has been classified as a Variant of Uncertain Significance.

Literature cited by the submitters: PubMed 17576681; PubMed 9536098.

NM_005235.3(ERBB4):c.1289+6T>C

Gene: ERBB4 (erb-b2 receptor tyrosine kinase 4; minus strand). Cytogenetic location: 2q34.
Variant type: single nucleotide variant.
Coding change: c.1289+6T>C on transcript NM_005235.3 (MANE Select); 6 bases into the intron after coding-DNA position 1289, T replaced by C.
Molecular consequence: intron variant.
Genome position (GRCh38, 1-based): chr2:211,704,098, A>G on the plus strand (T>C on the coding strand, the complement: ERBB4 is on the minus strand). VCF-style: chr2-211704098-A-G. GRCh37 (hg19) VCF-style: chr2-212568823-A-G.
Other names: c.1289+6T>C (NM_001042599.2, NM_001439006.1, NM_001439005.1).
Identifiers: ClinVar variation 2912074 (VCV002912074.3), dbSNP rs188386424, ClinGen allele CA2088175.
Genomic context (GRCh38, chr2:211,704,098, plus strand): 5'-CTTAATGCACACACAATGCTCCTCTTGAAATCTGTGAGCCCTGCAGCTTTAAACATATCC[A>G]CTTACCTATAGAGTACTCTTCCACCAATGGTCACCAGGTTAGAAAAAACACTGAAGTCAG-3'